The following is an entry in ClinVar:

NM_001081.4(CUBN):c.1951C>T (p.Arg651Ter)

Gene: CUBN (cubilin; minus strand). Cytogenetic location: 10p13.
Variant type: single nucleotide variant.
Coding change: c.1951C>T on transcript NM_001081.4 (MANE Select); coding-DNA position 1951, C replaced by T.
Protein change: p.Arg651Ter; replaces arginine 651 with a stop codon.
Molecular consequence: nonsense.
Genome position (GRCh38, 1-based): chr10:17,085,756, G>A on the plus strand (C>T on the coding strand, the complement: CUBN is on the minus strand). VCF-style: chr10-17085756-G-A. GRCh37 (hg19) VCF-style: chr10-17127755-G-A.
Other names: short protein forms R651*.
Identifiers: ClinVar variation 56324 (VCV000056324.2), dbSNP rs182512508, ClinGen allele CA144256.

ClinVar aggregate classification (germline): Likely pathogenic (0 of 4 stars; one submission).

Conditions:
Imerslund-Grasbeck syndrome. Also called: PERNICIOUS ANEMIA, JUVENILE, DUE TO SELECTIVE INTESTINAL MALABSORPTION OF VITAMIN B12, WITH PROTEINURIA; Megaloblastic anemia due to inborn errors of metabolism; Imerslund-Gräsbeck syndrome; ENTEROCYTE COBALAMIN MALABSORPTION; ENTEROCYTE INTRINSIC FACTOR RECEPTOR, DEFECT OF. Identifiers: Orphanet 35858, MedGen C4551825, MONDO:0009853.

Allele frequency attached by ClinVar (database versions not stated): TOPMed 0.00001.
gnomAD v4.1: 3 of 1,613,574 alleles (0.00019%); highest among the groups gnomAD compares: Non-Finnish European, 0.00017%; no homozygotes.

Submission:

Juha Muilu Group; Institute for Molecular Medicine Finland (FIMM)
Classification: Likely pathogenic for Megaloblastic anemia due to inborn errors of metabolism. Review status: no assertion criteria provided. Collection method: not provided. Allele origin: unknown.
Comment: FinDis database variant: This variant was not found or characterized by our laboratory, data were collected from public sources: see reference
ClinVar note: Converted during submission from probable-pathogenic to Likely pathogenic.